The following is an entry in ClinVar:

NM_138694.4(PKHD1):c.10561_10562del (p.Gln3521fs)

Gene: PKHD1 (PKHD1 ciliary IPT domain containing fibrocystin/polyductin; minus strand). Cytogenetic location: 6p12.3.
Variant type: Deletion.
Coding change: c.10561_10562del on transcript NM_138694.4 (MANE Select); coding-DNA positions 10561 to 10562, 2 bases deleted (CA; older notation c.10561_10562delCA).
Protein change: p.Gln3521fs; shifts the reading frame from glutamine 3521.
Molecular consequence: frameshift variant.
Genome position (GRCh38, 1-based): chr6:51,659,564-51,659,565, TG deleted on the plus strand (CA on the coding strand, the reverse complement: PKHD1 is on the minus strand). VCF-style (leftmost placement, unchanged base first): chr6-51659563-CTG-C. GRCh37 (hg19) VCF-style: chr6-51524361-CTG-C.
Other names: c.10561_10562delCA (NM_138694.3); c.10561_10562del (NM_138694.3); short protein forms Q3521fs.
Identifiers: ClinVar variation 557624 (VCV000557624.3), dbSNP rs1554183446, ClinGen allele CA658821700.
Genomic context (GRCh38, chr6:51,659,563, plus strand): 5'-GTTATCCATGATGTTGAAATAGTTGGCACCAATAGATTCATTCAGCAATAAGGAAGCTGA[CTG>C]AACCAGAGTGGGTGGAATAAAACTTTCCCCTAAGAAGACGTGGGGGCTCTGGAGCTCATG-3'

ClinVar aggregate classification (germline): Likely pathogenic. Review status: criteria provided, single submitter (1 of 4 stars). 2 submissions from 2 submitters: Likely pathogenic (1). 1 of the submissions does not count toward it. Last evaluated 2025-11-05.

Conditions:
Autosomal recessive polycystic kidney disease (ARPKD). Also called: AR polycystic kidney disease. Identifiers: Orphanet 731, Orphanet 8378, MedGen C0085548, MeSH D017044, MONDO:0009889.
Polycystic kidney disease 4 (PKD4). Also called: POLYCYSTIC KIDNEY DISEASE 4 WITH OR WITHOUT POLYCYSTIC LIVER DISEASE; POLYCYSTIC KIDNEY AND HEPATIC DISEASE 1; POLYCYSTIC KIDNEY DISEASE, INFANTILE, TYPE I; PKD3; Autosomal Recessive Polycystic Kidney Disease – PKHD1. Identifiers: MedGen C4540575, MONDO:0033004, OMIM 263200.

Submissions (2):

Natera, Inc.
Classification: Likely pathogenic for Autosomal recessive polycystic kidney disease. Last evaluated: 2025-11-05. Review status: criteria provided, single submitter. Criteria: Natera Variant Classification Schema (03/2026). Collection method: clinical testing. Allele origin: germline.
Comment: The c.10561_10562del variant in PKHD1 is a frameshift variant predicted to shift the reading frame beginning at codon 3521 and leads to a stop codon 8 codons downstream. This variant is expected to result in nonsense mediated decay, truncation, or a dysfunctional protein product. This variant is rare in the general population with a frequency below the threshold expected for the associated phenotype(s). Given the available evidence, this variant is classified as Likely Pathogenic.

Counsyl
Classification: Likely pathogenic for Polycystic kidney disease 4. Last evaluated: 2018-04-03. Review status: no assertion criteria provided. Collection method: clinical testing. Allele origin: unknown. Not counted in ClinVar's aggregate classification.